The following is an entry in ClinVar:

ClinVar aggregate classification (germline): Uncertain significance (1 of 4 stars; one submission).

Allele frequency attached by ClinVar (database versions not stated): gnomAD exomes below 0.00001; TOPMed below 0.00001.
gnomAD v4.1: 4 of 1,581,738 alleles (0.00025%); highest among the groups gnomAD compares: Middle Eastern, 0.033%; no homozygotes.

Submission:

Ambry Genetics
Classification: Uncertain significance. Last evaluated: 2021-08-17. Review status: criteria provided, single submitter. Criteria: Ambry Variant Classification Scheme 2023. Collection method: clinical testing. Allele origin: germline.
Comment: The p.K838R variant (also known as c.2513A>G), located in coding exon 22 of the PRKDC gene, results from an A to G substitution at nucleotide position 2513. The lysine at codon 838 is replaced by arginine, an amino acid with highly similar properties. This amino acid position is conserved. In addition, this alteration is predicted to be tolerated by in silico analysis. Since supporting evidence is limited at this time, the clinical significance of this alteration remains unclear.

NM_006904.7(PRKDC):c.2513A>G (p.Lys838Arg)

Gene: PRKDC (protein kinase, DNA-activated, catalytic subunit; minus strand). Cytogenetic location: 8q11.21.
Variant type: single nucleotide variant.
Coding change: c.2513A>G on transcript NM_006904.7 (MANE Select); coding-DNA position 2513, A replaced by G.
Protein change: p.Lys838Arg; replaces lysine 838 with arginine.
Molecular consequence: missense variant.
Genome position (GRCh38, 1-based): chr8:47,918,290, T>C on the plus strand (A>G on the coding strand, the complement: PRKDC is on the minus strand). VCF-style: chr8-47918290-T-C. GRCh37 (hg19) VCF-style: chr8-48830850-T-C.
Other names: c.2513A>G, p.Lys838Arg (NM_001081640.2); short protein forms K838R.
Identifiers: ClinVar variation 1792423 (VCV001792423.2), dbSNP rs1349323439, ClinGen allele CA371160315.